The following is an entry in ClinVar:

ClinVar aggregate classification (germline): Benign/Likely benign. Review status: criteria provided, multiple submitters, no conflicts (2 of 4 stars). 2 submissions from 2 submitters: Benign (1); Likely benign (1). Last evaluated 2026-06-29.

Conditions:
Sessile serrated polyposis cancer syndrome (SSPCS). Identifiers: Orphanet 157798, MedGen C4310714, MONDO:0014919, OMIM 617108.

Allele frequency attached by ClinVar (database versions not stated): gnomAD exomes 0.00001; TOPMed below 0.00001.
gnomAD v4.1: 6 of 1,613,732 alleles (0.00037%); highest among the groups gnomAD compares: Non-Finnish European, 0.00042%; no homozygotes.

Submissions (2):

Myriad Genetics, Inc.
Classification: Benign for Sessile serrated polyposis cancer syndrome. Last evaluated: 2026-06-29. Review status: criteria provided, single submitter. Criteria: Myriad Autosomal Dominant, Autosomal Recessive and X-Linked Classification Criteria (2023). Collection method: clinical testing. Allele origin: unknown.
Comment: This variant is considered benign. This variant is a silent/synonymous amino acid change and it is not expected to impact splicing.

Labcorp Genetics (formerly Invitae), Labcorp
Classification: Likely benign. Last evaluated: 2024-10-23. Review status: criteria provided, single submitter. Criteria: Invitae Variant Classification Sherloc (09022015). Collection method: clinical testing. Allele origin: germline.

NM_017763.6(RNF43):c.94C>T (p.Leu32=)

Gene: RNF43 (ring finger protein 43; minus strand). Cytogenetic location: 17q22.
Variant type: single nucleotide variant.
Coding change: c.94C>T on transcript NM_017763.6 (MANE Select); coding-DNA position 94, C replaced by T.
Protein change: p.Leu32=; no amino-acid change (leucine 32 retained).
Molecular consequence: synonymous variant.
Genome position (GRCh38, 1-based): chr17:58,415,484, G>A on the plus strand (C>T on the coding strand, the complement: RNF43 is on the minus strand). VCF-style: chr17-58415484-G-A. GRCh37 (hg19) VCF-style: chr17-56492845-G-A.
Other names: c.94C>T, p.Leu32= (NM_001305544.3).
Identifiers: ClinVar variation 2997539 (VCV002997539.4), dbSNP rs1974105082, ClinGen allele CA501061441.